The following is an entry in ClinVar:

NM_001267550.2(TTN):c.92609dup (p.Val30871fs)

Genes: TTN-AS1 (TTN antisense RNA 1; plus strand), TTN (titin; minus strand). Cytogenetic location: 2q31.2.
Variant type: Duplication.
Coding change: c.92609dup on transcript NM_001267550.2 (MANE Select); coding-DNA position 92609, one base duplicated (A; older notation c.92609dupA).
Protein change: p.Val30871fs; shifts the reading frame from valine 30871.
Molecular consequence: frameshift variant.
Genome position (GRCh38, 1-based): chr2:178,549,017, T duplicated on the plus strand (A on the coding strand, the reverse complement: TTN is on the minus strand); the first of 2 consecutive T bases (chr2:178,549,017-178,549,018); duplicating either gives the same sequence. VCF-style (leftmost placement, unchanged base first): chr2-178549016-C-CT. GRCh37 (hg19) VCF-style: chr2-179413743-C-CT.
Other names: c.87686dup, p.Val29230fs (NM_001256850.1); c.65414dup, p.Val21806fs (NM_003319.4); c.84905dup, p.Val28303fs (NM_133378.4); c.65789dup, p.Val21931fs (NM_133432.3); c.65990dup, p.Val21998fs (NM_133437.4); short protein forms V21806fs, V21931fs, V21998fs, V28303fs, V29230fs, V30871fs.
Identifiers: ClinVar variation 3755418 (VCV003755418.2).
Genomic context (GRCh38, chr2:178,549,016, plus strand): 5'-TTCACCTGCTTGTAGATCAGTGACTGTATATCTTGTTTTCACACATGCCTCTGCATTCAC[C>CT]TTGTGCCAGTCTCCTAAGTCGGCCTTACACATTTCAATAATATACCCAATTATTTCCATG-3'

ClinVar aggregate classification (germline): Likely pathogenic (1 of 4 stars; one submission).

Conditions:
Dilated cardiomyopathy 1G (CMD1G). Identifiers: Orphanet 154, MedGen C1858763, MONDO:0011400, OMIM 604145.
Autosomal recessive limb-girdle muscular dystrophy type 2J (LGMDR10). Also called: Limb-girdle muscular dystrophy, type 2J; MUSCULAR DYSTROPHY, LIMB-GIRDLE, AUTOSOMAL RECESSIVE 10. Identifiers: Orphanet 140922, MedGen C1837342, MONDO:0012127, OMIM 608807.

Submission:

Labcorp Genetics (formerly Invitae), Labcorp
Classification: Likely pathogenic for Dilated cardiomyopathy 1G; Autosomal recessive limb-girdle muscular dystrophy type 2J. Last evaluated: 2024-07-25. Review status: criteria provided, single submitter. Criteria: Invitae Variant Classification Sherloc (09022015). Collection method: clinical testing. Allele origin: germline.
Comment: This sequence change creates a premature translational stop signal (p.Val30871Glyfs*15) in the TTN gene. While this is not anticipated to result in nonsense mediated decay, it is expected to create a truncated TTN protein. This variant is not present in population databases (gnomAD no frequency). This variant has not been reported in the literature in individuals affected with TTN-related conditions. This variant is located in the A band of TTN (PMID: 25589632). Truncating variants in this region are significantly overrepresented in patients affected with dilated cardiomyopathy (PMID: 25589632). Truncating variants in this region have also been reported in individuals affected with autosomal recessive centronuclear myopathy (PMID: 23975875). In summary, the currently available evidence indicates that the variant is pathogenic, but additional data are needed to prove that conclusively. Therefore, this variant has been classified as Likely Pathogenic.

Literature cited by the submitters: PubMed 25589632; PubMed 23975875.